The following is an entry in ClinVar:

NC_000011.10:g.(?_108223043)_(108249112_?)del

Gene: ATM (ATM serine/threonine kinase; plus strand). Cytogenetic location: 11q22.3.
Variant type: Deletion.
Identifiers: ClinVar variation 832240 (VCV000832240.5).

ClinVar aggregate classification (germline): Pathogenic (1 of 4 stars; one submission).

Conditions:
Ataxia-telangiectasia syndrome (AT). Also called: Ataxia-telangiectasia, complementation group E; Ataxia telangiectasia (A-T); LOUIS-BAR SYNDROME; Ataxia-telangiectasia, complementation group D; AT, COMPLEMENTATION GROUP C; Ataxia-telangiectasia. Identifiers: Orphanet 100, MedGen C0004135, MONDO:0008840, OMIM 208900.

Submission:

Labcorp Genetics (formerly Invitae), Labcorp
Classification: Pathogenic for Ataxia-telangiectasia syndrome. Last evaluated: 2023-10-29. Review status: criteria provided, single submitter. Criteria: Invitae Variant Classification Sherloc (09022015). Collection method: clinical testing. Allele origin: germline.
Comment: This variant is a gross deletion of the genomic region encompassing exon(s) 1-9 of the ATM gene, which includes the initiator codon. This deletion extends beyond the assayed region for this gene and therefore may encompass additional genes. It is expected to result in an absent or disrupted protein product. Loss-of-function variants in ATM are known to be pathogenic (PMID: 23807571, 25614872). This variant has not been reported in the literature in individuals affected with ATM-related conditions. For these reasons, this variant has been classified as Pathogenic.

Literature cited by the submitters: PubMed 23807571; PubMed 25614872.